The following is an entry in ClinVar:

NM_000138.5(FBN1):c.8398dup (p.Glu2800fs)

Gene: FBN1 (fibrillin 1; minus strand). Cytogenetic location: 15q21.1.
Variant type: Duplication.
Coding change: c.8398dup on transcript NM_000138.5 (MANE Select); coding-DNA position 8398, one base duplicated (G; older notation c.8398dupG).
Protein change: p.Glu2800fs; shifts the reading frame from glutamic acid 2800.
Molecular consequence: frameshift variant.
Genome position (GRCh38, 1-based): chr15:48,411,208, C duplicated on the plus strand (G on the coding strand, the reverse complement: FBN1 is on the minus strand). VCF-style (leftmost placement, unchanged base first): chr15-48411207-T-TC. GRCh37 (hg19) VCF-style: chr15-48703404-T-TC.
Other names: short protein forms E2800fs.
Identifiers: ClinVar variation 1072809 (VCV001072809.9), dbSNP rs2141209879, ClinGen allele CA2499222955.

ClinVar aggregate classification (germline): Pathogenic (1 of 4 stars; one submission).

Conditions:
Familial thoracic aortic aneurysm and aortic dissection (TAAD). Also called: Thoracic aortic aneurysms and dissections. Identifiers: Orphanet 91387, MedGen C4707243, MONDO:0019625.
Marfan syndrome (MFS). Also called: Marfan syndrome type 1; Marfan's syndrome; Marfan syndrome, classic; MARFAN SYNDROME, TYPE I; FBN1-Related Marfan Syndrome. Identifiers: Orphanet 284963, Orphanet 558, MedGen C0024796, MONDO:0007947, OMIM 154700.

Submission:

Labcorp Genetics (formerly Invitae), Labcorp
Classification: Pathogenic for Marfan syndrome; Familial thoracic aortic aneurysm and aortic dissection. Last evaluated: 2023-07-17. Review status: criteria provided, single submitter. Criteria: Invitae Variant Classification Sherloc (09022015). Collection method: clinical testing. Allele origin: germline.
Comment: This variant disrupts a region of the FBN1 protein in which other variant(s) (p.Gln2867*) have been determined to be pathogenic (PMID: 19293843). This suggests that this is a clinically significant region of the protein, and that variants that disrupt it are likely to be disease-causing. ClinVar contains an entry for this variant (Variation ID: 1072809). This variant has not been reported in the literature in individuals affected with FBN1-related conditions. This variant is not present in population databases (gnomAD no frequency). This sequence change creates a premature translational stop signal (p.Glu2800Glyfs*6) in the FBN1 gene. While this is not anticipated to result in nonsense mediated decay, it is expected to disrupt the last 72 amino acid(s) of the FBN1 protein. For these reasons, this variant has been classified as Pathogenic.

Literature cited by the submitters: PubMed 19293843.